The following is an entry in ClinVar:

ClinVar aggregate classification (germline): Uncertain significance. Review status: criteria provided, multiple submitters, no conflicts (2 of 4 stars). 2 submissions from 2 submitters: Uncertain significance (2). Last evaluated 2024-04-08.

Conditions:
Hereditary cancer-predisposing syndrome. Also called: Tumor predisposition; Hereditary neoplastic syndrome; Neoplastic Syndromes, Hereditary; Hereditary Cancer Syndrome. Identifiers: Orphanet 140162, MedGen C0027672, MeSH D009386, MONDO:0015356.
Neuroblastoma, susceptibility to, 3. Also called: ALK-Related Neuroblastic Tumor Susceptibility. Identifiers: Orphanet 635, MedGen C2751681, MONDO:0013083, OMIM 613014.

Submissions (2):

Ambry Genetics
Classification: Uncertain significance for Hereditary cancer-predisposing syndrome. Last evaluated: 2024-04-08. Review status: criteria provided, single submitter. Criteria: Ambry Variant Classification Scheme 2023. Collection method: clinical testing. Allele origin: germline.
Comment: The p.D1417N variant (also known as c.4249G>A), located in coding exon 29 of the ALK gene, results from a G to A substitution at nucleotide position 4249. The aspartic acid at codon 1417 is replaced by asparagine, an amino acid with highly similar properties. This amino acid position is conserved. In addition, this alteration is predicted to be tolerated by in silico analysis. Based on the available evidence, the clinical significance of this variant remains unclear.

Labcorp Genetics (formerly Invitae), Labcorp
Classification: Uncertain significance for Neuroblastoma, susceptibility to, 3. Last evaluated: 2023-09-25. Review status: criteria provided, single submitter. Criteria: Invitae Variant Classification Sherloc (09022015). Collection method: clinical testing. Allele origin: germline.
Comment: In summary, the available evidence is currently insufficient to determine the role of this variant in disease. Therefore, it has been classified as a Variant of Uncertain Significance. An algorithm developed to predict the effect of missense changes on protein structure and function (PolyPhen-2) suggests that this variant is likely to be disruptive. This variant has not been reported in the literature in individuals affected with ALK-related conditions. This variant is not present in population databases (gnomAD no frequency). This sequence change replaces aspartic acid, which is acidic and polar, with asparagine, which is neutral and polar, at codon 1417 of the ALK protein (p.Asp1417Asn).

NM_004304.5(ALK):c.4249G>A (p.Asp1417Asn)

Gene: ALK (ALK receptor tyrosine kinase; minus strand). Cytogenetic location: 2p23.2.
Variant type: single nucleotide variant.
Coding change: c.4249G>A on transcript NM_004304.5 (MANE Select); coding-DNA position 4249, G replaced by A.
Protein change: p.Asp1417Asn; replaces aspartic acid 1417 with asparagine.
Molecular consequence: missense variant.
Genome position (GRCh38, 1-based): chr2:29,193,838, C>T on the plus strand (G>A on the coding strand, the complement: ALK is on the minus strand). VCF-style: chr2-29193838-C-T. GRCh37 (hg19) VCF-style: chr2-29416704-C-T.
Other names: c.4249G>A (NM_004304.4); c.1045G>A, p.Asp349Asn (NM_001353765.2); short protein forms D349N, D1417N.
Identifiers: ClinVar variation 2981806 (VCV002981806.4), dbSNP rs1251673674, ClinGen allele CA346463070.